The following is an entry in ClinVar:

ClinVar aggregate classification (germline): Benign (0 of 4 stars; one submission).

Conditions:
RIMS3-related disorder. Also called: RIMS3-related condition.

Allele frequency attached by ClinVar (database versions not stated): ESP Exome Variant Server 0.00015; TOPMed 0.00020; gnomAD 0.00091; gnomAD exomes 0.00144; ExAC 0.00329; 1000 Genomes Project 0.00639; 1000 Genomes Project 30x 0.00671.
gnomAD v4.1: 2,263 of 1,613,738 alleles (0.14%); highest among the groups gnomAD compares: South Asian, 2.3%; 48 homozygotes.

Submission:

PreventionGenetics, part of Exact Sciences
Classification: Benign for RIMS3-related condition. Last evaluated: 2019-11-16. Review status: no assertion criteria provided. Collection method: clinical testing. Allele origin: germline.
Comment: This variant is classified as benign based on ACMG/AMP sequence variant interpretation guidelines (Richards et al. 2015 PMID: 25741868, with internal and published modifications).

NM_014747.3(RIMS3):c.619G>A (p.Ala207Thr)

Genes: RIMS3 (regulating synaptic membrane exocytosis 3; minus strand), LOC126805714 (CDK7 strongly-dependent group 2 enhancer GRCh37_chr1:41093974-41095173; plus strand). Cytogenetic location: 1p34.2.
Variant type: single nucleotide variant.
Coding change: c.619G>A on transcript NM_014747.3 (MANE Select); coding-DNA position 619, G replaced by A.
Protein change: p.Ala207Thr; replaces alanine 207 with threonine.
Molecular consequence: missense variant.
Genome position (GRCh38, 1-based): chr1:40,628,905, C>T on the plus strand (G>A on the coding strand, the complement: RIMS3 is on the minus strand). VCF-style: chr1-40628905-C-T. GRCh37 (hg19) VCF-style: chr1-41094577-C-T.
Other names: short protein forms A207T.
Identifiers: ClinVar variation 3041447 (VCV003041447.2), dbSNP rs148298010, ClinGen allele CA793762.